The following is an entry in ClinVar:

NM_004204.5(PIGQ):c.902G>C (p.Arg301Pro)

Gene: PIGQ (phosphatidylinositol glycan anchor biosynthesis class Q; plus strand). Cytogenetic location: 16p13.3.
Variant type: single nucleotide variant.
Coding change: c.902G>C on transcript NM_004204.5 (MANE Select); coding-DNA position 902, G replaced by C.
Protein change: p.Arg301Pro; replaces arginine 301 with proline.
Molecular consequence: missense variant.
Genome position (GRCh38, 1-based): chr16:576,214, G>C. VCF-style: chr16-576214-G-C. GRCh37 (hg19) VCF-style: chr16-626214-G-C.
Other names: c.902G>C, p.Arg301Pro (NM_148920.4); short protein forms R301P.
Identifiers: ClinVar variation 1503988 (VCV001503988.8), dbSNP rs371210440, ClinGen allele CA394054047.

ClinVar aggregate classification (germline): Uncertain significance (1 of 4 stars; one submission).

Conditions:
Epilepsy. Also called: Seizure disorder. Identifiers: MedGen C0014544, MeSH D004827, MONDO:0005027.

Submission:

Labcorp Genetics (formerly Invitae), Labcorp
Classification: Uncertain significance for Epilepsy. Last evaluated: 2021-05-06. Review status: criteria provided, single submitter. Criteria: Invitae Variant Classification Sherloc (09022015). Collection method: clinical testing. Allele origin: germline.
Comment: In summary, the available evidence is currently insufficient to determine the role of this variant in disease. Therefore, it has been classified as a Variant of Uncertain Significance. Algorithms developed to predict the effect of missense changes on protein structure and function are either unavailable or do not agree on the potential impact of this missense change (SIFT: "Tolerated"; PolyPhen-2: "Possibly Damaging"; Align-GVGD: "Class C0"). This variant has not been reported in the literature in individuals with PIGQ-related conditions. This variant is not present in population databases (ExAC no frequency). This sequence change replaces arginine with proline at codon 301 of the PIGQ protein (p.Arg301Pro). The arginine residue is moderately conserved and there is a moderate physicochemical difference between arginine and proline.